The following is an entry in ClinVar:

NM_018706.7(DHTKD1):c.2156T>G (p.Met719Arg)

Gene: DHTKD1 (dehydrogenase E1 and transketolase domain containing 1; plus strand). Cytogenetic location: 10p14.
Variant type: single nucleotide variant.
Coding change: c.2156T>G on transcript NM_018706.7 (MANE Select); coding-DNA position 2156, T replaced by G.
Protein change: p.Met719Arg; replaces methionine 719 with arginine.
Molecular consequence: missense variant.
Genome position (GRCh38, 1-based): chr10:12,112,901, T>G. VCF-style: chr10-12112901-T-G. GRCh37 (hg19) VCF-style: chr10-12154900-T-G.
Other names: short protein forms M719R.
Identifiers: ClinVar variation 2186837 (VCV002186837.4), dbSNP rs747421793, ClinGen allele CA5408165.

ClinVar aggregate classification (germline): Uncertain significance (1 of 4 stars; one submission).

Conditions:
2-aminoadipic 2-oxoadipic aciduria (AAKAD). Also called: ALPHA-AMINOADIPIC AND ALPHA-KETOADIPIC ACIDURIA; Aminoadipic aciduria. Identifiers: Orphanet 79154, MedGen C1859817, MONDO:0008774, OMIM 204750.

Allele frequency attached by ClinVar (database versions not stated): ExAC 0.00001; gnomAD 0.00001.
gnomAD v4.1: 13 of 1,601,354 alleles (0.00081%); highest among the groups gnomAD compares: Admixed American, 0.0035%; no homozygotes.

Submission:

Labcorp Genetics (formerly Invitae), Labcorp
Classification: Uncertain significance for 2-aminoadipic 2-oxoadipic aciduria. Last evaluated: 2022-12-17. Review status: criteria provided, single submitter. Criteria: Invitae Variant Classification Sherloc (09022015). Collection method: clinical testing. Allele origin: germline.
Comment: This variant has not been reported in the literature in individuals affected with DHTKD1-related conditions. This sequence change replaces methionine, which is neutral and non-polar, with arginine, which is basic and polar, at codon 719 of the DHTKD1 protein (p.Met719Arg). This variant is present in population databases (rs747421793, gnomAD 0.003%). Algorithms developed to predict the effect of missense changes on protein structure and function (SIFT, PolyPhen-2, Align-GVGD) all suggest that this variant is likely to be disruptive. In summary, the available evidence is currently insufficient to determine the role of this variant in disease. Therefore, it has been classified as a Variant of Uncertain Significance.